The following is an entry in ClinVar:

NM_000722.4(CACNA2D1):c.2760G>C (p.Trp920Cys)

Gene: CACNA2D1 (calcium voltage-gated channel auxiliary subunit alpha2delta 1; minus strand). Cytogenetic location: 7q21.11.
Variant type: single nucleotide variant.
Coding change: c.2760G>C on transcript NM_000722.4 (MANE Select); coding-DNA position 2760, G replaced by C.
Protein change: p.Trp920Cys; replaces tryptophan 920 with cysteine.
Molecular consequence: missense variant.
Genome position (GRCh38, 1-based): chr7:81,964,076, C>G on the plus strand (G>C on the coding strand, the complement: CACNA2D1 is on the minus strand). VCF-style: chr7-81964076-C-G. GRCh37 (hg19) VCF-style: chr7-81593392-C-G.
Other names: c.2796G>C, p.Trp932Cys (NM_001366867.1); short protein forms W932C, W920C.
Identifiers: ClinVar variation 653804 (VCV000653804.10), dbSNP rs1554330432, ClinGen allele CA367884150.
Genomic context (GRCh38, chr7:81,964,076, plus strand): 5'-TCTTTCTTTCATTACCAATAAAACTAAAATTTTGACTTACCAGGCAGCAGCAGTGGCCCA[C>G]CAGCCAATTTGTAATATGTCTGCTACTGATGGCTATAAAATAAAATAATAAGGTCATTTC-3'
Protein context (NP_000713.2, residues 910-930): PSVADILQIG[Trp920Cys]WATAAAWSIL

ClinVar aggregate classification (germline): Uncertain significance (1 of 4 stars; one submission).

Conditions:
Brugada syndrome. Also called: Sudden unexplained nocturnal death syndrome; Sudden Unexplained Death Syndrome; Sudden Unexplained Nocturnal Death Syndrome (SUNDS); Sudden unexpected nocturnal death syndrome. Identifiers: Orphanet 130, MedGen C1142166, MONDO:0015263.

Submission:

Labcorp Genetics (formerly Invitae), Labcorp
Classification: Uncertain significance for Brugada syndrome. Last evaluated: 2019-02-14. Review status: criteria provided, single submitter. Criteria: Invitae Variant Classification Sherloc (09022015). Collection method: clinical testing. Allele origin: germline.
Comment: In summary, the available evidence is currently insufficient to determine the role of this variant in disease. Therefore, it has been classified as a Variant of Uncertain Significance. This sequence change replaces tryptophan with cysteine at codon 920 of the CACNA2D1 protein (p.Trp920Cys). The tryptophan residue is highly conserved and there is a large physicochemical difference between tryptophan and cysteine. This variant is not present in population databases (ExAC no frequency). This variant has not been reported in the literature in individuals with CACNA2D1-related conditions. Algorithms developed to predict the effect of missense changes on protein structure and function (SIFT, PolyPhen-2, Align-GVGD) all suggest that this variant is likely to be disruptive, but these predictions have not been confirmed by published functional studies and their clinical significance is uncertain.